The following is an entry in ClinVar:

ClinVar aggregate classification (germline): Uncertain significance (1 of 4 stars; one submission).

gnomAD v4.1: 1 of 1,614,218 alleles (0.000062%); highest among the groups gnomAD compares: Admixed American, 0.0017%; no homozygotes.

Submission:

Labcorp Genetics (formerly Invitae), Labcorp
Classification: Uncertain significance. Last evaluated: 2022-02-19. Review status: criteria provided, single submitter. Criteria: Invitae Variant Classification Sherloc (09022015). Collection method: clinical testing. Allele origin: germline.
Comment: In summary, the available evidence is currently insufficient to determine the role of this variant in disease. Therefore, it has been classified as a Variant of Uncertain Significance. Algorithms developed to predict the effect of missense changes on protein structure and function (SIFT, PolyPhen-2, Align-GVGD) all suggest that this variant is likely to be tolerated. This variant has not been reported in the literature in individuals affected with SLC34A1-related conditions. This variant is present in population databases (no rsID available, gnomAD 0.003%). This sequence change replaces valine, which is neutral and non-polar, with leucine, which is neutral and non-polar, at codon 151 of the SLC34A1 protein (p.Val151Leu).

NM_003052.5(SLC34A1):c.451G>C (p.Val151Leu)

Gene: SLC34A1 (solute carrier family 34 member 1; plus strand). Cytogenetic location: 5q35.3.
Variant type: single nucleotide variant.
Coding change: c.451G>C on transcript NM_003052.5 (MANE Select); coding-DNA position 451, G replaced by C.
Protein change: p.Val151Leu; replaces valine 151 with leucine.
Molecular consequence: missense variant.
Genome position (GRCh38, 1-based): chr5:177,386,485, G>C. VCF-style: chr5-177386485-G-C. GRCh37 (hg19) VCF-style: chr5-176813486-G-C.
Other names: c.451G>C, p.Val151Leu (NM_001167579.2); short protein forms V151L.
Identifiers: ClinVar variation 2099371 (VCV002099371.4), dbSNP rs1337605712, ClinGen allele CA362364111.